The following is an entry in ClinVar:

ClinVar aggregate classification (germline): Uncertain significance (1 of 4 stars; one submission).

Submission:

Labcorp Genetics (formerly Invitae), Labcorp
Classification: Uncertain significance. Last evaluated: 2025-11-13. Review status: criteria provided, single submitter. Criteria: Invitae Variant Classification Sherloc (09022015). Collection method: clinical testing. Allele origin: germline.
Comment: This variant, c.588_589delinsCA, is a complex sequence change that results in the deletion of 2 and insertion of 2 amino acid(s) in the OR2W3 protein (p.Glu196_Gly197delinsAspSer). Information on the frequency of this variant in the gnomAD database is not available, as this variant may be reported differently in the database. This variant has not been reported in the literature in individuals affected with OR2W3-related conditions. ClinVar contains an entry for this variant (Variation ID: 3616698). Experimental studies and prediction algorithms are not available or were not evaluated, and the functional significance of this variant is currently unknown. In summary, the available evidence is currently insufficient to determine the role of this variant in disease. Therefore, it has been classified as a Variant of Uncertain Significance.

NM_001001957.2(OR2W3):c.588_589delinsCA (p.Glu196_Gly197delinsAspSer)

Gene: OR2W3 (olfactory receptor family 2 subfamily W member 3; plus strand). Cytogenetic location: 1q44.
Variant type: Indel.
Coding change: c.588_589delinsCA on transcript NM_001001957.2 (MANE Select); coding-DNA positions 588 to 589, AG replaced by CA.
Protein change: p.Glu196_Gly197delinsAspSer.
Molecular consequence: missense variant.
Genome position (GRCh38, 1-based): chr1:247,896,174-247,896,175, AG replaced by CA. VCF-style: chr1-247896174-AG-CA. GRCh37 (hg19) VCF-style: chr1-248059476-AG-CA.
Identifiers: ClinVar variation 3616698 (VCV003616698.2).
Genomic context (GRCh38, chr1:247,896,174, plus strand): 5'-CTTCCTGCGTGAGATGCCCGCCCTGATCCGGATGGCCTGCGTCAGCACTGTGGCCATCGA[AG>CA]GCACCGTCTTTGTCCTGGCGGTGGGTGTTGTGCTGTCCCCCTTGGTGTTTATCCTGCTCT-3'